The following is an entry in ClinVar:

NM_152419.3(HGSNAT):c.1326C>T (p.Ile442=)

Gene: HGSNAT (heparan-alpha-glucosaminide N-acetyltransferase; plus strand). Cytogenetic location: 8p11.21.
Variant type: single nucleotide variant.
Coding change: c.1326C>T on transcript NM_152419.3 (MANE Select); coding-DNA position 1326, C replaced by T.
Protein change: p.Ile442=; no amino-acid change (isoleucine 442 retained).
Molecular consequence: synonymous variant.
Genome position (GRCh38, 1-based): chr8:43,192,379, C>T. VCF-style: chr8-43192379-C-T. GRCh37 (hg19) VCF-style: chr8-43047522-C-T.
Other names: c.1326C>T, p.Ile442= (NM_001363227.2); c.1134C>T, p.Ile378= (NM_001363228.2); c.462C>T, p.Ile154= (NM_001363229.2); c.1326C>T (NM_152419.2).
Identifiers: ClinVar variation 1107624 (VCV001107624.8), dbSNP rs765410268, ClinGen allele CA4736843.
Genomic context (GRCh38, chr8:43,192,379, plus strand): 5'-TGGGGGCATTGGAGATTTTGGCAAGTATCCAAATTGCACTGGAGGAGCTGCAGGCTACAT[C>T]GACCGCCTGCTGCTGGGAGACGATCACCTTTACCAGCACCCATCTTCTGCTGTGAGTGAG-3'
Protein context (NP_689632.2, residues 432-452): PNCTGGAAGY[Ile442=]DRLLLGDDHL

ClinVar aggregate classification (germline): Likely benign. Review status: criteria provided, multiple submitters, no conflicts (2 of 4 stars). 2 submissions from 2 submitters: Likely benign (2). Last evaluated 2026-08-05.

Conditions:
Mucopolysaccharidosis, MPS-III-C (MPS3C). Also called: MPS III C; Mucopolysaccharidosis type IIIC (Sanfilippo C); SANFILIPPO SYNDROME C; MUCOPOLYSACCHARIDOSIS, TYPE IIIC; mucopolysaccharidosis type 3C; MPS IIIC (Sanfilippo Syndrome Type C). Identifiers: Orphanet 581, Orphanet 79271, MedGen C0086649, MONDO:0009657, OMIM 252930.
Retinitis pigmentosa 73 (RP73). Identifiers: Orphanet 791, MedGen C4225287, MONDO:0014687, OMIM 616544.
HGSNAT-related disorder. Also called: HGSNAT-related condition.

Allele frequency attached by ClinVar (database versions not stated): TOPMed 0.00003; ExAC 0.00001; gnomAD exomes 0.00002; gnomAD 0.00003.
gnomAD v4.1: 14 of 1,612,922 alleles (0.00087%); highest among the groups gnomAD compares: East Asian, 0.0067%; no homozygotes.

Submissions (2):

PreventionGenetics, part of Exact Sciences
Classification: Likely benign for HGSNAT-related condition. Last evaluated: 2026-08-05. Review status: criteria provided, single submitter. Criteria: ACMG Guidelines, 2015. Collection method: clinical testing. Allele origin: germline.
Comment: This variant is classified as likely benign based on ACMG/AMP sequence variant interpretation guidelines (Richards et al. 2015 PMID: 25741868, with internal and published modifications).

Labcorp Genetics (formerly Invitae), Labcorp
Classification: Likely benign for Retinitis pigmentosa 73; Mucopolysaccharidosis, MPS-III-C. Last evaluated: 2026-01-07. Review status: criteria provided, single submitter. Criteria: Invitae Variant Classification Sherloc (09022015). Collection method: clinical testing. Allele origin: germline.